The following is an entry in ClinVar:

ClinVar aggregate classification (germline): Benign/Likely benign. Review status: criteria provided, multiple submitters, no conflicts (2 of 4 stars). 5 submissions from 5 submitters: Benign (2); Likely benign (3). Last evaluated 2026-07-01.

Conditions:
Christianson syndrome (MRXSCH). Also called: SLC9A6-Related Syndromic Mental Retardation; INTELLECTUAL DEVELOPMENTAL DISORDER, X-LINKED, SYNDROMIC, CHRISTIANSON TYPE; X-linked mental retardation, syndromic, Christianson type. Identifiers: Orphanet 85278, MedGen C2678194, MONDO:0010278, OMIM 300243.

Allele frequency attached by ClinVar (database versions not stated): gnomAD exomes 0.00017; 1000 Genomes Project 30x 0.00021; 1000 Genomes Project 0.00026; gnomAD 0.00045 and 0.00047; TOPMed 0.00065.
gnomAD v4.1: 85 of 1,193,798 alleles (0.0071%); highest among the groups gnomAD compares: Admixed American, 0.17%; no homozygotes.

Submissions (5):

CeGaT Center for Human Genetics Tuebingen
Classification: Likely benign. Last evaluated: 2026-07-01. Review status: criteria provided, single submitter. Criteria: CeGaT Center For Human Genetics Tuebingen Variant Classification Criteria Version 2. Collection method: clinical testing. Allele origin: germline. Affected: yes. Observed: 1 variant allele.
Comment: SLC9A6: BP4, BS2

Labcorp Genetics (formerly Invitae), Labcorp
Classification: Benign for Christianson syndrome. Last evaluated: 2025-11-26. Review status: criteria provided, single submitter. Criteria: Invitae Variant Classification Sherloc (09022015). Collection method: clinical testing. Allele origin: germline.

Mayo Clinic Laboratories, Mayo Clinic
Classification: Benign. Last evaluated: 2025-07-16. Review status: criteria provided, single submitter. Criteria: ACMG Guidelines, 2015. Collection method: clinical testing. Allele origin: germline. Observed: 1 variant allele.
Comment: BA1

Fulgent Genetics
Classification: Likely benign for Christianson syndrome. Last evaluated: 2022-05-17. Review status: criteria provided, single submitter. Criteria: ACMG Guidelines, 2015. Collection method: clinical testing. Allele origin: unknown.

GeneDx
Classification: Likely benign. Last evaluated: 2020-09-04. Review status: criteria provided, single submitter. Criteria: GeneDx Variant Classification Process June 2021. Collection method: clinical testing. Allele origin: germline. Affected: yes.

NM_001379110.1(SLC9A6):c.1460+6T>C

Gene: SLC9A6 (solute carrier family 9 member A6; plus strand). Cytogenetic location: Xq26.3.
Variant type: single nucleotide variant.
Coding change: c.1460+6T>C on transcript NM_001379110.1 (MANE Select); 6 bases into the intron after coding-DNA position 1460, T replaced by C.
Molecular consequence: intron variant.
Genome position (GRCh38, 1-based): chrX:136,024,489, T>C. VCF-style: chrX-136024489-T-C. GRCh37 (hg19) VCF-style: chrX-135106648-T-C.
Other names: p.?; c.1616+6T>C (NM_001042537.2); c.1520+6T>C (NM_006359.3); c.1460+6T>C (NM_001177651.2); c.1364+6T>C (NM_001330652.2).
Identifiers: ClinVar variation 516674 (VCV000516674.18), dbSNP rs781963949, ClinGen allele CA336248940.
Genomic context (GRCh38, chrX:136,024,489, plus strand): 5'-CCGTGTGGGTATTTGGTGGTGGCACCACTGCAATGCTGTCATGCTTGCATATCAGGTAAG[T>C]ACTAACTAGAGACCTCATTTTAAGATTAAATTTTAATTTGGTTTATTTTTCTGCCTGTTT-3'